The following is an entry in ClinVar:

NM_001378615.1(CC2D2A):c.814del (p.Tyr272fs)

Genes: CC2D2A (coiled-coil and C2 domain containing 2A; plus strand), FBXL5 (F-box and leucine rich repeat protein 5; minus strand). Cytogenetic location: 4p15.32.
Variant type: Deletion.
Coding change: c.814del on transcript NM_001378615.1 (MANE Select); coding-DNA position 814, one base deleted (T; older notation c.814delT).
Protein change: p.Tyr272fs; shifts the reading frame from tyrosine 272.
Molecular consequence: frameshift variant.
Genome position (GRCh38, 1-based): chr4:15,514,803, T deleted; the last of 2 consecutive T bases (chr4:15,514,802-15,514,803); deleting either gives the same sequence. VCF-style (leftmost placement, unchanged base first): chr4-15514801-AT-A. GRCh37 (hg19) VCF-style: chr4-15516424-AT-A.
Other names: c.814del, p.Tyr272fs (NM_001080522.2); c.667del, p.Tyr223fs (NM_001378617.1); short protein forms Y223fs, Y272fs.
Identifiers: ClinVar variation 3062239 (VCV003062239.1), dbSNP rs2474921160, ClinGen allele CA2740091218.

ClinVar aggregate classification (germline): Likely pathogenic (1 of 4 stars; one submission).

Conditions:
Joubert syndrome 9 (JBTS9). Identifiers: Orphanet 2318, MedGen C2676788, MONDO:0012849, OMIM 612285.

Submission:

Molecular Genetics Department, Kulakov National Medical Research Center for Obstetrics, Gynecology and Perinatology
Classification: Likely pathogenic for Joubert syndrome 9. Review status: criteria provided, single submitter. Criteria: ACMG Guidelines, 2015. Collection method: clinical testing. Allele origin: paternal. Affected: yes.
Comment: A previously undescribed nucleotide variant creates a frameshift p.Tyr272MetfsTer47 in the CC2D2A gene. Homozygous and compound heterozygous variants are reported in patients with Joubert syndrome 9, 612285. The variant is not present in population database (gnomAD no frequency). In summary, the currently available evidence indicates that the variant is pathogenic, but additional data are needed to prove that conclusively. Therefore, this variant has been classified as likely pathogenic.